The following is an entry in ClinVar:

NM_004525.3(LRP2):c.11381A>T (p.Glu3794Val)

Gene: LRP2 (LDL receptor related protein 2; minus strand). Cytogenetic location: 2q31.1.
Variant type: single nucleotide variant.
Coding change: c.11381A>T on transcript NM_004525.3 (MANE Select); coding-DNA position 11381, A replaced by T.
Protein change: p.Glu3794Val; replaces glutamic acid 3794 with valine.
Molecular consequence: missense variant.
Genome position (GRCh38, 1-based): chr2:169,169,818, T>A on the plus strand (A>T on the coding strand, the complement: LRP2 is on the minus strand). VCF-style: chr2-169169818-T-A. GRCh37 (hg19) VCF-style: chr2-170026328-T-A.
Other names: short protein forms E3794V.
Identifiers: ClinVar variation 1438517 (VCV001438517.6), dbSNP rs2105274601, ClinGen allele CA349141932.

ClinVar aggregate classification (germline): Uncertain significance (1 of 4 stars; one submission).

Submission:

Labcorp Genetics (formerly Invitae), Labcorp
Classification: Uncertain significance. Last evaluated: 2021-10-11. Review status: criteria provided, single submitter. Criteria: Invitae Variant Classification Sherloc (09022015). Collection method: clinical testing. Allele origin: germline.
Comment: In summary, the available evidence is currently insufficient to determine the role of this variant in disease. Therefore, it has been classified as a Variant of Uncertain Significance. Algorithms developed to predict the effect of missense changes on protein structure and function (SIFT, PolyPhen-2, Align-GVGD) all suggest that this variant is likely to be disruptive. This variant has not been reported in the literature in individuals affected with LRP2-related conditions. This variant is not present in population databases (ExAC no frequency). This sequence change replaces glutamic acid with valine at codon 3794 of the LRP2 protein (p.Glu3794Val). The glutamic acid residue is highly conserved and there is a moderate physicochemical difference between glutamic acid and valine.